The following is an entry in ClinVar:

NM_006030.4(CACNA2D2):c.843G>A (p.Trp281Ter)

Gene: CACNA2D2 (calcium voltage-gated channel auxiliary subunit alpha2delta 2; minus strand). Cytogenetic location: 3p21.31.
Variant type: single nucleotide variant.
Coding change: c.843G>A on transcript NM_006030.4 (MANE Select); coding-DNA position 843, G replaced by A.
Protein change: p.Trp281Ter; replaces tryptophan 281 with a stop codon.
Molecular consequence: nonsense.
Genome position (GRCh38, 1-based): chr3:50,380,018, C>T on the plus strand (G>A on the coding strand, the complement: CACNA2D2 is on the minus strand). VCF-style: chr3-50380018-C-T. GRCh37 (hg19) VCF-style: chr3-50417449-C-T.
Other names: c.843G>A, p.Trp281Ter (NM_001005505.3, NM_001174051.3); c.636G>A, p.Trp212Ter (NM_001291101.1); short protein forms W212*, W281*.
Identifiers: ClinVar variation 1438980 (VCV001438980.7), dbSNP rs1553730120, ClinGen allele CA352938822.

ClinVar aggregate classification (germline): Pathogenic (1 of 4 stars; one submission).

Conditions:
Early-infantile DEE. Also called: Ohtahara syndrome; Early infantile epileptic encephalopathy with suppression bursts; Early infantile epileptic encephalopathy. Identifiers: Orphanet 1934, MedGen C0393706, MONDO:0800491.

Submission:

Labcorp Genetics (formerly Invitae), Labcorp
Classification: Pathogenic for Early-infantile DEE. Last evaluated: 2021-08-28. Review status: criteria provided, single submitter. Criteria: Invitae Variant Classification Sherloc (09022015). Collection method: clinical testing. Allele origin: germline.
Comment: For these reasons, this variant has been classified as Pathogenic. This variant has not been reported in the literature in individuals affected with CACNA2D2-related conditions. This variant is not present in population databases (ExAC no frequency). This sequence change creates a premature translational stop signal (p.Trp281*) in the CACNA2D2 gene. It is expected to result in an absent or disrupted protein product. Loss-of-function variants in CACNA2D2 are known to be pathogenic (PMID: 24358150).

Literature cited by the submitters: PubMed 24358150.